The following is an entry in ClinVar:

ClinVar aggregate classification (germline): Likely pathogenic (1 of 4 stars; one submission).

Conditions:
Gorlin syndrome. Also called: Basal cell nevus syndrome; Nevoid Basal Cell Carcinoma Syndrome. Identifiers: Orphanet 377, MedGen C0004779, MONDO:0007187.

Submission:

Labcorp Genetics (formerly Invitae), Labcorp
Classification: Likely pathogenic for Gorlin syndrome. Last evaluated: 2019-03-25. Review status: criteria provided, single submitter. Criteria: Invitae Variant Classification Sherloc (09022015). Collection method: clinical testing. Allele origin: unknown.
Comment: This variant has not been reported in the literature in individuals with PTCH1-related conditions. This variant is a deletion of the genomic region encompassing part of exons 13 and 14 (c.1779_2195del) of the PTCH1 gene. It is expected to disrupt RNA splicing and likely results in an absent or disrupted protein product. Loss-of-function variants in PTCH1 are known to be pathogenic (PMID: 16301862, 16419085). In summary, the currently available evidence indicates that the variant is pathogenic, but additional data are needed to prove that conclusively. Therefore, this variant has been classified as Likely Pathogenic.

Literature cited by the submitters: PubMed 16301862; PubMed 16419085.

NC_000009.11:g.(?_98231088)_(98232163_?)del

Gene: PTCH1 (patched 1; minus strand). Cytogenetic location: 9q22.32.
Variant type: Deletion.
Identifiers: ClinVar variation 3245051 (VCV003245051.1).